The following is an entry in ClinVar:

NM_016247.4(IMPG2):c.534-13dup

Gene: IMPG2 (interphotoreceptor matrix proteoglycan 2; minus strand). Cytogenetic location: 3q12.3.
Variant type: Duplication.
Coding change: c.534-13dup on transcript NM_016247.4 (MANE Select); 13 bases into the intron before coding-DNA position 534, one base duplicated (T; older notation c.534-13dupT).
Molecular consequence: intron variant.
Genome position (GRCh38, 1-based): chr3:101,276,718, A duplicated on the plus strand (T on the coding strand, the reverse complement: IMPG2 is on the minus strand); the first of 9 consecutive A bases (chr3:101,276,718-101,276,726); duplicating any one gives the same sequence. VCF-style (leftmost placement, unchanged base first): chr3-101276717-G-GA. GRCh37 (hg19) VCF-style: chr3-100995561-G-GA.
Other names: c.534-5dupT (NM_016247.3).
Identifiers: ClinVar variation 342356 (VCV000342356.64), dbSNP rs567795716, ClinGen allele CA2519449.

ClinVar aggregate classification (germline): Conflicting classifications of pathogenicity. Review status: criteria provided, conflicting classifications (1 of 4 stars). 7 submissions from 7 submitters: Uncertain significance (1); Benign (1); Likely benign (2). 3 of the submissions do not count toward it. Last evaluated 2026-01-17.

Conditions:
Macular dystrophy. Identifiers: MedGen C0730292, HP:0007754.

Submissions (7):

Labcorp Genetics (formerly Invitae), Labcorp
Classification: Benign. Last evaluated: 2026-01-17. Review status: criteria provided, single submitter. Criteria: Invitae Variant Classification Sherloc (09022015). Collection method: clinical testing. Allele origin: germline.

Blueprint Genetics
Classification: Likely benign. Last evaluated: 2024-11-26. Review status: criteria provided, single submitter. Criteria: ACMG Guidelines, 2015. Collection method: clinical testing. Allele origin: germline.

CeGaT Center for Human Genetics Tuebingen
Classification: Likely benign. Last evaluated: 2023-10-01. Review status: criteria provided, single submitter. Criteria: CeGaT Center For Human Genetics Tuebingen Variant Classification Criteria Version 2. Collection method: clinical testing. Allele origin: germline. Affected: yes. Observed: 2 variant alleles.
Comment: IMPG2: BP4

Eurofins Ntd Llc (ga)
Classification: Uncertain significance. Last evaluated: 2017-05-12. Review status: criteria provided, single submitter. Criteria: EGL Classification Definitions 2015. Collection method: clinical testing. Allele origin: germline. Observed: 1 variant allele, 1 heterozygote.

Department of Clinical Genetics, Copenhagen University Hospital, Rigshospitalet
Classification: Uncertain significance for Macular dystrophy. Last evaluated: 2018-04-01. Review status: no assertion criteria provided. Collection method: research. Allele origin: unknown. Affected: yes. Study: VeluxRD. Not counted in ClinVar's aggregate classification.

Clinical Genetics DNA and cytogenetics Diagnostics Lab, Erasmus MC, Erasmus Medical Center
Classification: Benign. Review status: no assertion criteria provided. Collection method: clinical testing. Allele origin: germline. Affected: yes. Study: VKGL Data-share Consensus. Not counted in ClinVar's aggregate classification.

Clinical Genetics, Academic Medical Center
Classification: Benign. Review status: no assertion criteria provided. Collection method: clinical testing. Allele origin: germline. Affected: yes. Study: VKGL Data-share Consensus. Not counted in ClinVar's aggregate classification.

Literature cited by the submitters: PubMed 30718709 (cited by Department of Clinical Genetics, Copenhagen University Hospital, Rigshospitalet).